The following is an entry in ClinVar:

NM_006011.4(ST8SIA2):c.882C>G (p.Thr294=)

Gene: ST8SIA2 (ST8 alpha-N-acetyl-neuraminide alpha-2,8-sialyltransferase 2; plus strand). Cytogenetic location: 15q26.1.
Variant type: single nucleotide variant.
Coding change: c.882C>G on transcript NM_006011.4 (MANE Select); coding-DNA position 882, C replaced by G.
Protein change: p.Thr294=; no amino-acid change (threonine 294 retained).
Molecular consequence: synonymous variant.
Genome position (GRCh38, 1-based): chr15:92,464,139, C>G. VCF-style: chr15-92464139-C-G. GRCh37 (hg19) VCF-style: chr15-93007369-C-G.
Other names: c.819C>G, p.Thr273= (NM_001330416.2).
Identifiers: ClinVar variation 3054319 (VCV003054319.2), dbSNP rs777165199, ClinGen allele CA7746762.

ClinVar aggregate classification (germline): Likely benign (0 of 4 stars; one submission).

Conditions:
ST8SIA2-related disorder. Also called: ST8SIA2-related condition.

Allele frequency attached by ClinVar (database versions not stated): gnomAD exomes 0.00001; ExAC 0.00002; gnomAD 0.00002.
gnomAD v4.1: 13 of 1,603,290 alleles (0.00081%); highest among the groups gnomAD compares: African/African-American, 0.0054%; no homozygotes.

Submission:

PreventionGenetics, part of Exact Sciences
Classification: Likely benign for ST8SIA2-related condition. Last evaluated: 2020-04-29. Review status: no assertion criteria provided. Collection method: clinical testing. Allele origin: germline.
Comment: This variant is classified as likely benign based on ACMG/AMP sequence variant interpretation guidelines (Richards et al. 2015 PMID: 25741868, with internal and published modifications).